The following is an entry in ClinVar:

NM_139076.3(ABRAXAS1):c.602A>C (p.Lys201Thr)

Gene: ABRAXAS1 (abraxas 1, BRCA1 A complex subunit; minus strand). Cytogenetic location: 4q21.23.
Variant type: single nucleotide variant.
Coding change: c.602A>C on transcript NM_139076.3 (MANE Select); coding-DNA position 602, A replaced by C.
Protein change: p.Lys201Thr; replaces lysine 201 with threonine.
Molecular consequence: missense variant.
Genome position (GRCh38, 1-based): chr4:83,467,533, T>G on the plus strand (A>C on the coding strand, the complement: ABRAXAS1 is on the minus strand). VCF-style: chr4-83467533-T-G. GRCh37 (hg19) VCF-style: chr4-84388686-T-G.
Other names: c.275A>C, p.Lys92Thr (NM_001345962.2); short protein forms K201T, K92T.
Identifiers: ClinVar variation 2171749 (VCV002171749.4), dbSNP rs1722418479, ClinGen allele CA357259011.

ClinVar aggregate classification (germline): Uncertain significance (1 of 4 stars; one submission).

Allele frequency attached by ClinVar (database versions not stated): TOPMed below 0.00001; gnomAD exomes 0.00001.
gnomAD v4.1: 11 of 1,519,488 alleles (0.00072%); highest among the groups gnomAD compares: African/African-American, 0.0014%; no homozygotes.

Submission:

Labcorp Genetics (formerly Invitae), Labcorp
Classification: Uncertain significance. Last evaluated: 2022-11-22. Review status: criteria provided, single submitter. Criteria: Invitae Variant Classification Sherloc (09022015). Collection method: clinical testing. Allele origin: germline.
Comment: In summary, the available evidence is currently insufficient to determine the role of this variant in disease. Therefore, it has been classified as a Variant of Uncertain Significance. Advanced modeling of protein sequence and biophysical properties (such as structural, functional, and spatial information, amino acid conservation, physicochemical variation, residue mobility, and thermodynamic stability) performed at Invitae indicates that this missense variant is not expected to disrupt ABRAXAS1 protein function. This variant has not been reported in the literature in individuals affected with ABRAXAS1-related conditions. This variant is not present in population databases (gnomAD no frequency). This sequence change replaces lysine, which is basic and polar, with threonine, which is neutral and polar, at codon 201 of the ABRAXAS1 protein (p.Lys201Thr).